The following is an entry in ClinVar:

ClinVar aggregate classification (germline): Uncertain significance (1 of 4 stars; one submission).

Allele frequency attached by ClinVar (database versions not stated): gnomAD exomes 0.00002.
gnomAD v4.1: 15 of 1,613,966 alleles (0.00093%); highest among the groups gnomAD compares: Non-Finnish European, 0.0013%; no homozygotes.

Submission:

Labcorp Genetics (formerly Invitae), Labcorp
Classification: Uncertain significance. Last evaluated: 2022-05-15. Review status: criteria provided, single submitter. Criteria: Invitae Variant Classification Sherloc (09022015). Collection method: clinical testing. Allele origin: germline.
Comment: This variant is not present in population databases (gnomAD no frequency). In summary, the available evidence is currently insufficient to determine the role of this variant in disease. Therefore, it has been classified as a Variant of Uncertain Significance. Algorithms developed to predict the effect of sequence changes on RNA splicing suggest that this variant may create or strengthen a splice site. This variant has not been reported in the literature in individuals affected with CENPJ-related conditions. This sequence change affects codon 902 of the CENPJ mRNA. It is a 'silent' change, meaning that it does not change the encoded amino acid sequence of the CENPJ protein.

NM_018451.5(CPAP):c.2706A>C (p.Arg902=)

Gene: CPAP (centrosome assembly and centriole elongation protein; minus strand). Cytogenetic location: 13q12.13.
Variant type: single nucleotide variant.
Coding change: c.2706A>C on transcript NM_018451.5 (MANE Select); coding-DNA position 2706, A replaced by C.
Protein change: p.Arg902=; no amino-acid change (arginine 902 retained).
Molecular consequence: synonymous variant. On other transcripts: non-coding transcript variant (2).
Genome position (GRCh38, 1-based): chr13:24,904,045, T>G on the plus strand (A>C on the coding strand, the complement: CPAP is on the minus strand). VCF-style: chr13-24904045-T-G. GRCh37 (hg19) VCF-style: chr13-25478183-T-G.
Identifiers: ClinVar variation 1994842 (VCV001994842.4), dbSNP rs2541678502, ClinGen allele CA482983065.